The following is an entry in ClinVar:

NM_003331.5(TYK2):c.1953C>T (p.Ile651=)

Gene: TYK2 (tyrosine kinase 2; minus strand). Cytogenetic location: 19p13.2.
Variant type: single nucleotide variant.
Coding change: c.1953C>T on transcript NM_003331.5 (MANE Select); coding-DNA position 1953, C replaced by T.
Protein change: p.Ile651=; no amino-acid change (isoleucine 651 retained).
Molecular consequence: synonymous variant.
Genome position (GRCh38, 1-based): chr19:10,361,776, G>A on the plus strand (C>T on the coding strand, the complement: TYK2 is on the minus strand). VCF-style: chr19-10361776-G-A. GRCh37 (hg19) VCF-style: chr19-10472452-G-A.
Other names: c.1953C>T (LRG_121t1).
Identifiers: ClinVar variation 259042 (VCV000259042.50), dbSNP rs12720355, ClinGen allele CA9193250.
Genomic context (GRCh38, chr19:10,361,776, plus strand): 5'-CCTCCGGCCACCTCCTCCACAGACACACCCCCAGGCCTGGCCCTGCCCACTCACCAGGGC[G>A]ATGTCATGGTGACTAGGGTCCAGCACTTTGAGCACCACTCGTAGCTCCTGCCCACGGTCC-3'
Protein context (NP_003322.3, residues 641-661): LKVLDPSHHD[Ile651=]ALAFYETASL

ClinVar aggregate classification (germline): Benign. Review status: criteria provided, multiple submitters, no conflicts (2 of 4 stars). 6 submissions from 6 submitters: Benign (6). Last evaluated 2026-02-02.

Conditions:
Immunodeficiency 35 (IMD35). Also called: Susceptibility to infection due to TYK2 deficiency; HIES WITH ATYPICAL MYCOBACTERIOSIS, AUTOSOMAL RECESSIVE; HYPER-IgE SYNDROME WITH ATYPICAL MYCOBACTERIOSIS, AUTOSOMAL RECESSIVE; TYK2 DEFICIENCY. Identifiers: Orphanet 331226, MedGen C1969086, MONDO:0012682, OMIM 611521.

Allele frequency attached by ClinVar (database versions not stated): 1000 Genomes Project 0.00499; 1000 Genomes Project 30x 0.00531; TOPMed 0.00936; gnomAD exomes 0.00957 and 0.01406; ExAC 0.00981; gnomAD 0.00992 and 0.01009; ESP Exome Variant Server 0.01115.
gnomAD v4.1: 21,912 of 1,612,786 alleles (1.4%); highest among the groups gnomAD compares: Non-Finnish European, 1.6%; 179 homozygotes.

Submissions (6):

Labcorp Genetics (formerly Invitae), Labcorp
Classification: Benign for Immunodeficiency 35. Last evaluated: 2026-02-02. Review status: criteria provided, single submitter. Criteria: Invitae Variant Classification Sherloc (09022015). Collection method: clinical testing. Allele origin: germline.

CeGaT Center for Human Genetics Tuebingen
Classification: Benign. Last evaluated: 2024-04-01. Review status: criteria provided, single submitter. Criteria: CeGaT Center For Human Genetics Tuebingen Variant Classification Criteria Version 2. Collection method: clinical testing. Allele origin: germline. Affected: yes. Observed: 7 variant alleles.
Comment: TYK2: BP4, BP7, BS1, BS2

Illumina Laboratory Services, Illumina
Classification: Benign for Immunodeficiency 35. Last evaluated: 2017-04-27. Review status: criteria provided, single submitter. Criteria: ICSL Variant Classification Criteria 13 December 2019. Collection method: clinical testing. Allele origin: germline.
Comment: This variant was observed as part of a predisposition screen in an ostensibly healthy population. A literature search was performed for the gene, cDNA change, and amino acid change (where applicable). No publications were found based on this search. Allele frequency data from public databases was too high to be consistent with this variant causing disease. Therefore, this variant is classified as benign.

GeneDx
Classification: Benign. Last evaluated: 2015-03-03. Review status: criteria provided, single submitter. Criteria: GeneDx Variant Classification Process June 2021. Collection method: clinical testing. Allele origin: germline. Affected: yes.

Breakthrough Genomics
Classification: Benign. Review status: criteria provided, single submitter. Criteria: ACMG Guidelines, 2015. Collection method: not provided. Allele origin: germline. Inheritance: Autosomal recessive inheritance. Affected: yes.

PreventionGenetics, part of Exact Sciences
Classification: Benign. Review status: criteria provided, single submitter. Criteria: ACMG Guidelines, 2015. Collection method: clinical testing. Allele origin: germline.